The following is an entry in ClinVar:

NM_003384.3(VRK1):c.402_890-895del

Gene: VRK1 (VRK serine/threonine kinase 1; plus strand). Cytogenetic location: 14q32.2.
Variant type: Deletion.
Coding change: c.402_890-895del on transcript NM_003384.3 (MANE Select); coding-DNA position 402 through 895 bases into the intron before coding-DNA position 890, 6,805 bases deleted.
Molecular consequence: splice acceptor variant, splice donor variant.
Genome position (GRCh38, 1-based): chr14:96,852,858-96,859,662, 6,805 bases deleted. GRCh37 (hg19): chr14:97,319,195-97,325,999.
Identifiers: ClinVar variation 842535 (VCV000842535.2), ClinGen allele CA916084252.

ClinVar aggregate classification (germline): Likely pathogenic (1 of 4 stars; one submission).

Conditions:
Congenital pontocerebellar hypoplasia type 1. Also called: Pontocerebellar hypoplasia type 1. Identifiers: Orphanet 2254, MedGen C5442006, MONDO:0016396.

Submission:

Labcorp Genetics (formerly Invitae), Labcorp
Classification: Likely pathogenic for Pontocerebellar hypoplasia type 1. Last evaluated: 2019-03-09. Review status: criteria provided, single submitter. Criteria: Invitae Variant Classification Sherloc (09022015). Collection method: clinical testing. Allele origin: germline.
Comment: This variant is a deletion of the genomic region encompassing exons 7-10 and part of exon 6 (c.397_890-900del) of the VRK1 gene. It is expected to disrupt RNA splicing and likely results in an absent or disrupted protein product. This variant has not been reported in the literature in individuals with VRK1-related conditions. Loss-of-function variants in VRK1 are known to be pathogenic (PMID: 19646678). In summary, the currently available evidence indicates that the variant is pathogenic, but additional data are needed to prove that conclusively. Therefore, this variant has been classified as Likely Pathogenic.